The following is an entry in ClinVar:

NM_000179.3(MSH6):c.2773G>T (p.Gly925Ter)

Gene: MSH6 (mutS homolog 6; plus strand). Cytogenetic location: 2p16.3.
Variant type: single nucleotide variant.
Coding change: c.2773G>T on transcript NM_000179.3 (MANE Select); coding-DNA position 2773, G replaced by T.
Protein change: p.Gly925Ter; replaces glycine 925 with a stop codon.
Molecular consequence: nonsense. On other transcripts: non-coding transcript variant (5), intron variant (2).
Genome position (GRCh38, 1-based): chr2:47,800,756, G>T. VCF-style: chr2-47800756-G-T. GRCh37 (hg19) VCF-style: chr2-48027895-G-T.
Other names: c.2383G>T, p.Gly795Ter (NM_001281492.2); c.1867G>T, p.Gly623Ter (NM_001281493.2, NM_001281494.2, NM_001406811.1 and 6 more transcripts); c.2869G>T, p.Gly957Ter (NM_001406795.1, NM_001406802.1); c.2773G>T, p.Gly925Ter (NM_001406796.1, NM_001406798.1, NM_001406800.1 and 2 more transcripts); c.2476G>T, p.Gly826Ter (NM_001406797.1, NM_001406801.1, NM_001406805.1 and 10 more transcripts); c.2248G>T, p.Gly750Ter (NM_001406799.1, NM_001406806.1, NM_001406807.1); c.2695G>T, p.Gly899Ter (NM_001406804.1); c.2779G>T, p.Gly927Ter (NM_001406813.1); and 4 more; short protein forms G240*, G623*, G750*, G795*, G826*, G869*, G899*, G925*.
Identifiers: ClinVar variation 2673594 (VCV002673594.3), dbSNP rs2104423405, ClinGen allele CA346755465.

ClinVar aggregate classification (germline): Pathogenic. Review status: criteria provided, multiple submitters, no conflicts (2 of 4 stars). 3 submissions from 3 submitters: Pathogenic (3). Last evaluated 2024-10-25.

Conditions:
Hereditary cancer-predisposing syndrome. Also called: Tumor predisposition; Hereditary neoplastic syndrome; Neoplastic Syndromes, Hereditary; Hereditary Cancer Syndrome. Identifiers: Orphanet 140162, MedGen C0027672, MeSH D009386, MONDO:0015356.
Lynch syndrome 5 (LYNCH5). Also called: Colorectal cancer, hereditary nonpolyposis, type 5; Hereditary non-polyposis colorectal cancer, type 5. Identifiers: Orphanet 144, MedGen C1833477, MONDO:0013710, OMIM 614350. Disease mechanism: loss of function.

Submissions (3):

Ambry Genetics
Classification: Pathogenic for Hereditary cancer-predisposing syndrome. Last evaluated: 2024-10-25. Review status: criteria provided, single submitter. Criteria: Ambry Variant Classification Scheme 2023. Collection method: clinical testing. Allele origin: germline.
Comment: The p.G925* pathogenic mutation (also known as c.2773G>T), located in coding exon 4 of the MSH6 gene, results from a G to T substitution at nucleotide position 2773. This changes the amino acid from a glycine to a stop codon within coding exon 4. This alteration was identified in an individual diagnosed with colorectal cancer (Terui H et al. Oncol Rep, 2013 Dec;30:2909-16). This variant is considered to be rare based on population cohorts in the Genome Aggregation Database (gnomAD). This alteration is expected to result in loss of function by premature protein truncation or nonsense-mediated mRNA decay. As such, this alteration is interpreted as a disease-causing mutation.

Quest Diagnostics Nichols Institute San Juan Capistrano
Classification: Pathogenic. Last evaluated: 2023-11-24. Review status: criteria provided, single submitter. Criteria: Quest Diagnostics criteria. Collection method: clinical testing. Allele origin: unknown.
Comment: The MSH6 c.2773G>T (p.Gly925*) variant causes the premature termination of MSH6 protein synthesis. This variant has been reported in the published literature in an individual with colorectal cancer (PMID: 24100870 (2013)). This variant has not been reported in large, multi-ethnic general populations (Genome Aggregation Database). Based on the available information, this variant is classified as pathogenic.

Myriad Genetics, Inc.
Classification: Pathogenic for Lynch syndrome 5. Last evaluated: 2023-08-18. Review status: criteria provided, single submitter. Criteria: Myriad Autosomal Dominant, Autosomal Recessive and X-Linked Classification Criteria (2023). Collection method: clinical testing. Allele origin: unknown.
Comment: This variant is considered pathogenic. This variant creates a termination codon and is predicted to result in premature protein truncation.

Literature cited by the submitters: PubMed 24100870 (cited by Ambry Genetics and Quest Diagnostics Nichols Institute San Juan Capistrano).